The following is an entry in ClinVar:

ClinVar aggregate classification (germline): Uncertain significance (1 of 4 stars; one submission).

Conditions:
Symmetrical dyschromatosis of extremities (DSH). Also called: Dyschromatosis symmetrica hereditaria; DYSCHROMATOSIS SYMMETRICA HEREDITARIA 1; RETICULATE ACROPIGMENTATION OF DOHI; SYMMETRIC DYSCHROMATOSIS OF THE EXTREMITIES. Identifiers: Orphanet 41, MedGen C0406775, MONDO:0007483, OMIM 127400.
Aicardi-Goutieres syndrome 6 (AGS6). Identifiers: Orphanet 51, MedGen C3539013, MONDO:0014007, OMIM 615010.

Allele frequency attached by ClinVar (database versions not stated): gnomAD exomes below 0.00001.
gnomAD v4.1: 6 of 1,614,228 alleles (0.00037%); highest among the groups gnomAD compares: South Asian, 0.0011%; no homozygotes.

Submission:

Labcorp Genetics (formerly Invitae), Labcorp
Classification: Uncertain significance for Aicardi-Goutieres syndrome 6; Symmetrical dyschromatosis of extremities. Last evaluated: 2021-07-05. Review status: criteria provided, single submitter. Criteria: Invitae Variant Classification Sherloc (09022015). Collection method: clinical testing. Allele origin: germline.
Comment: This variant is not present in population databases (ExAC no frequency). This variant has not been reported in the literature in individuals affected with ADAR-related conditions. Algorithms developed to predict the effect of missense changes on protein structure and function output the following: SIFT: "Deleterious"; PolyPhen-2: "Benign"; Align-GVGD: "Class C0". The aspartic acid amino acid residue is found in multiple mammalian species, which suggests that this missense change does not adversely affect protein function. In summary, the available evidence is currently insufficient to determine the role of this variant in disease. Therefore, it has been classified as a Variant of Uncertain Significance. This sequence change replaces asparagine with aspartic acid at codon 271 of the ADAR protein (p.Asn271Asp). The asparagine residue is weakly conserved and there is a small physicochemical difference between asparagine and aspartic acid.

NM_001111.5(ADAR):c.811A>G (p.Asn271Asp)

Gene: ADAR (adenosine deaminase RNA specific; minus strand). Cytogenetic location: 1q21.3.
Variant type: single nucleotide variant.
Coding change: c.811A>G on transcript NM_001111.5 (MANE Select); coding-DNA position 811, A replaced by G.
Protein change: p.Asn271Asp; replaces asparagine 271 with aspartic acid.
Molecular consequence: missense variant. On other transcripts: 5 prime UTR variant (6).
Genome position (GRCh38, 1-based): chr1:154,601,831, T>C on the plus strand (A>G on the coding strand, the complement: ADAR is on the minus strand). VCF-style: chr1-154601831-T-C. GRCh37 (hg19) VCF-style: chr1-154574307-T-C.
Other names: c.-75A>G (NM_001025107.3, NM_001193495.2, NM_001365046.1 and 3 more transcripts); c.838A>G, p.Asn280Asp (NM_001365045.1); c.811A>G, p.Asn271Asp (NM_015840.4, NM_015841.4); short protein forms N280D, N271D.
Identifiers: ClinVar variation 1365964 (VCV001365964.8), dbSNP rs1223076895, ClinGen allele CA342599896.